The following is an entry in ClinVar:

ClinVar aggregate classification (germline): Uncertain significance (1 of 4 stars; one submission).

Conditions:
Oligodontia-cancer predisposition syndrome. Also called: TOOTH AGENESIS-COLORECTAL CANCER SYNDROME. Identifiers: Orphanet 300576, MedGen C1837750, MONDO:0012075, OMIM 608615. Disease mechanism: loss of function.

Submission:

Labcorp Genetics (formerly Invitae), Labcorp
Classification: Uncertain significance for Oligodontia-colorectal cancer syndrome. Last evaluated: 2018-09-03. Review status: criteria provided, single submitter. Criteria: Invitae Variant Classification Sherloc (09022015). Collection method: clinical testing. Allele origin: germline.
Comment: This sequence change replaces serine with arginine at codon 639 of the AXIN2 protein (p.Ser639Arg). The serine residue is highly conserved and there is a moderate physicochemical difference between serine and arginine. This variant is not present in population databases (ExAC no frequency) and has not been reported in the literature in individuals with a AXIN2-related disease. Algorithms developed to predict the effect of missense changes on protein structure and function do not agree on the potential impact of this missense change (SIFT: "Deleterious"; PolyPhen-2: "Benign"; Align-GVGD: "Class C0"). In summary, this variant is a novel missense change with uncertain impact on protein function. It has been classified as a Variant of Uncertain Significance.

NM_004655.4(AXIN2):c.1917C>G (p.Ser639Arg)

Gene: AXIN2 (axin 2; minus strand). Cytogenetic location: 17q24.1.
Variant type: single nucleotide variant.
Coding change: c.1917C>G on transcript NM_004655.4 (MANE Select); coding-DNA position 1917, C replaced by G.
Protein change: p.Ser639Arg; replaces serine 639 with arginine.
Molecular consequence: missense variant.
Genome position (GRCh38, 1-based): chr17:65,536,544, G>C on the plus strand (C>G on the coding strand, the complement: AXIN2 is on the minus strand). VCF-style: chr17-65536544-G-C. GRCh37 (hg19) VCF-style: chr17-63532662-G-C.
Other names: c.1917C>G (LRG_296t1); c.1722C>G, p.Ser574Arg (NM_001363813.1); short protein forms S639R, S574R.
Identifiers: ClinVar variation 655210 (VCV000655210.1), dbSNP rs1598097171, ClinGen allele CA400676338.